The following is an entry in ClinVar:

ClinVar aggregate classification (germline): Uncertain significance. Review status: criteria provided, single submitter (1 of 4 stars). 2 submissions from 2 submitters: Uncertain significance (1). 1 of the submissions does not count toward it. Last evaluated 2022-10-03.

Conditions:
Intellectual disability. Also called: intellectual disabilities; Intellectual developmental disorder; Intellectual functioning disability. Identifiers: MedGen C3714756, MeSH D008607, MONDO:0001071, HP:0001249.
Methylcobalamin deficiency type cblG (HMAG). Also called: HOMOCYSTINURIA-MEGALOBLASTIC ANEMIA, cblG COMPLEMENTATION TYPE; HOMOCYSTINURIA-MEGALOBLASTIC ANEMIA, cblG TYPE; HOMOCYSTINURIA-MEGALOBLASTIC ANEMIA DUE TO DEFECT IN COBALAMIN METABOLISM, cblG COMPLEMENTATION TYPE; Functional methionine synthase deficiency type cblG. Identifiers: Orphanet 2170, Orphanet 622, MedGen C1855128, MONDO:0009609, OMIM 250940.

Allele frequency attached by ClinVar (database versions not stated): gnomAD exomes 0.00001; gnomAD 0.00002.
gnomAD v4.1: 8 of 1,614,042 alleles (0.0005%); highest among the groups gnomAD compares: Admixed American, 0.013%; no homozygotes.

Submissions (2):

Labcorp Genetics (formerly Invitae), Labcorp
Classification: Uncertain significance for Methylcobalamin deficiency type cblG. Last evaluated: 2022-10-03. Review status: criteria provided, single submitter. Criteria: Invitae Variant Classification Sherloc (09022015). Collection method: clinical testing. Allele origin: germline.
Comment: This sequence change falls in intron 27 of the MTR gene. It does not directly change the encoded amino acid sequence of the MTR protein. It affects a nucleotide within the consensus splice site. This variant is present in population databases (no rsID available, gnomAD 0.006%). This variant has not been reported in the literature in individuals affected with MTR-related conditions. ClinVar contains an entry for this variant (Variation ID: 975604). Variants that disrupt the consensus splice site are a relatively common cause of aberrant splicing (PMID: 17576681, 9536098). Algorithms developed to predict the effect of sequence changes on RNA splicing suggest that this variant is not likely to affect RNA splicing. In summary, the available evidence is currently insufficient to determine the role of this variant in disease. Therefore, it has been classified as a Variant of Uncertain Significance.

Centre de Biologie Pathologie Génétique, Centre Hospitalier Universitaire de Lille
Classification: Likely benign for Intellectual disability. Last evaluated: 2019-01-01. Review status: no assertion criteria provided. Collection method: clinical testing. Allele origin: inherited. Affected: yes. Not counted in ClinVar's aggregate classification.

Literature cited by the submitters: PubMed 17576681 (cited by Labcorp Genetics (formerly Invitae), Labcorp); PubMed 9536098 (cited by Labcorp Genetics (formerly Invitae), Labcorp).

NM_000254.3(MTR):c.2852-3T>C

Gene: MTR (5-methyltetrahydrofolate-homocysteine methyltransferase; plus strand). Cytogenetic location: 1q43.
Variant type: single nucleotide variant.
Coding change: c.2852-3T>C on transcript NM_000254.3 (MANE Select); 3 bases into the intron before coding-DNA position 2852, T replaced by C.
Molecular consequence: intron variant.
Genome position (GRCh38, 1-based): chr1:236,889,178, T>C. VCF-style: chr1-236889178-T-C. GRCh37 (hg19) VCF-style: chr1-237052478-T-C.
Other names: c.2699-3T>C (NM_001291939.1); c.1631-3T>C (NM_001291940.2).
Identifiers: ClinVar variation 975604 (VCV000975604.4), dbSNP rs986257997, ClinGen allele CA39765246.